The following is an entry in ClinVar:

ClinVar aggregate classification (germline): Uncertain significance (1 of 4 stars; one submission).

Conditions:
PLXNA4-related disorder. Also called: PLXNA4-related condition.

gnomAD v4.1: 34 of 1,614,072 alleles (0.0021%); highest among the groups gnomAD compares: Non-Finnish European, 0.0028%; no homozygotes.

Submission:

PreventionGenetics, part of Exact Sciences
Classification: Uncertain significance for PLXNA4-related condition. Last evaluated: 2025-05-29. Review status: criteria provided, single submitter. Criteria: ACMG Guidelines, 2015. Collection method: clinical testing. Allele origin: germline.
Comment: The PLXNA4 c.3172A>G variant is predicted to result in the amino acid substitution p.Ile1058Val. To our knowledge, this variant has not been reported in the literature or in a large population database (gnomAD), indicating this variant is rare. At this time, the clinical significance of this variant is uncertain due to the absence of conclusive functional and genetic evidence.

NM_020911.2(PLXNA4):c.3172A>G (p.Ile1058Val)

Gene: PLXNA4 (plexin A4; minus strand). Cytogenetic location: 7q32.3.
Variant type: single nucleotide variant.
Coding change: c.3172A>G on transcript NM_020911.2 (MANE Select); coding-DNA position 3172, A replaced by G.
Protein change: p.Ile1058Val; replaces isoleucine 1058 with valine.
Molecular consequence: missense variant.
Genome position (GRCh38, 1-based): chr7:132,182,177, T>C on the plus strand (A>G on the coding strand, the complement: PLXNA4 is on the minus strand). VCF-style: chr7-132182177-T-C. GRCh37 (hg19) VCF-style: chr7-131866936-T-C.
Other names: c.3172A>G, p.Ile1058Val (NM_001393897.1); short protein forms I1058V.
Identifiers: ClinVar variation 4977469 (VCV004977469.1).